The following is an entry in ClinVar:

ClinVar aggregate classification (germline): Uncertain significance. Review status: no assertion criteria provided (0 of 4 stars). 2 submissions from 2 submitters: Uncertain significance (2). Last evaluated 2025-02-10.

Conditions:
Joubert syndrome. Also called: Familial aplasia of the vermis; JOUBERT-BOLTSHAUSER SYNDROME. Identifiers: Orphanet 475, MedGen C5979921, MONDO:0018772.
RPGRIP1L-related disorder. Also called: RPGRIP1L-related condition; RPGRIP1L-related disorders. Identifiers: MedGen CN239416.

gnomAD v4.1: 1 of 1,612,608 alleles (0.000062%); highest among the groups gnomAD compares: Admixed American, 0.0017%; no homozygotes.

Submissions (2):

Natera, Inc.
Classification: Uncertain significance for Joubert syndrome. Last evaluated: 2025-02-10. Review status: no assertion criteria provided. Collection method: clinical testing. Allele origin: germline.

PreventionGenetics, part of Exact Sciences
Classification: Uncertain significance for RPGRIP1L-related condition. Last evaluated: 2024-04-13. Review status: no assertion criteria provided. Collection method: clinical testing. Allele origin: germline.
Comment: The RPGRIP1L c.3635A>T variant is predicted to result in the amino acid substitution p.Glu1212Val. To our knowledge, this variant has not been reported in the literature or in gnomAD, indicating this variant is rare. At this time, the clinical significance of this variant is uncertain due to the absence of conclusive functional and genetic evidence.

NM_015272.5(RPGRIP1L):c.3635A>T (p.Glu1212Val)

Gene: RPGRIP1L (RPGRIP1 like; minus strand). Cytogenetic location: 16q12.2.
Variant type: single nucleotide variant.
Coding change: c.3635A>T on transcript NM_015272.5 (MANE Select); coding-DNA position 3635, A replaced by T.
Protein change: p.Glu1212Val; replaces glutamic acid 1212 with valine.
Molecular consequence: missense variant.
Genome position (GRCh38, 1-based): chr16:53,611,033, T>A on the plus strand (A>T on the coding strand, the complement: RPGRIP1L is on the minus strand). VCF-style: chr16-53611033-T-A. GRCh37 (hg19) VCF-style: chr16-53644945-T-A.
Other names: c.3395A>T, p.Glu1132Val (NM_001127897.4); c.3497A>T, p.Glu1166Val (NM_001308334.3); c.3533A>T, p.Glu1178Val (NM_001330538.2); short protein forms E1132V, E1166V, E1178V, E1212V.
Identifiers: ClinVar variation 3345546 (VCV003345546.2).
Genomic context (GRCh38, chr16:53,611,033, plus strand): 5'-TTAGGCATCTCTTGTTTTTGTAGTATAGCTTTTAAGATGTCTCTCTTTGCTTTGTTGTTT[T>A]CTTTATCCACGTAGATCACTATACCAAAAGAAAAAAAAATGCCAAAAAGGAAGTCACTCA-3'
Protein context (NP_056087.2, residues 1202-1222): NYSNVIYVDK[Glu1212Val]NNKAKRDILK